The following is an entry in ClinVar:

NC_000017.10:g.(?_73759968)_(73761239_?)del

Gene: GALK1 (galactokinase 1; minus strand). Cytogenetic location: 17q25.1.
Variant type: Deletion.
Identifiers: ClinVar variation 2422482 (VCV002422482.5).

ClinVar aggregate classification (germline): Pathogenic (1 of 4 stars; one submission).

Conditions:
Deficiency of galactokinase. Also called: Galactokinase deficiency with cataracts; GALACTOSEMIA II. Identifiers: Orphanet 352, Orphanet 79237, MedGen C0268155, MONDO:0009255, OMIM 230200.

Submission:

Labcorp Genetics (formerly Invitae), Labcorp
Classification: Pathogenic for Deficiency of galactokinase. Last evaluated: 2021-11-01. Review status: criteria provided, single submitter. Criteria: Invitae Variant Classification Sherloc (09022015). Collection method: clinical testing. Allele origin: germline.
Comment: This variant is a gross deletion of the genomic region encompassing exon(s) 1-2 of the GALK1 gene, which includes the initiator codon. This deletion extends beyond the assayed region for this gene and therefore may encompass additional genes. It is expected to result in an absent or disrupted protein product. Loss-of-function variants in GALK1 are known to be pathogenic (PMID: 7670469, 10790206). This variant has not been reported in the literature in individuals affected with GALK1-related conditions. For these reasons, this variant has been classified as Pathogenic.

Literature cited by the submitters: PubMed 7670469; PubMed 10790206.